The following is an entry in ClinVar:

ClinVar aggregate classification (germline): Pathogenic (1 of 4 stars; one submission).

Submission:

Labcorp Genetics (formerly Invitae), Labcorp
Classification: Pathogenic. Last evaluated: 2023-09-05. Review status: criteria provided, single submitter. Criteria: Invitae Variant Classification Sherloc (09022015). Collection method: clinical testing. Allele origin: unknown.
Comment: This variant is a gross deletion of the genomic region encompassing exon(s) 14-39 of the TBCD gene, which includes the termination codon. This deletion extends beyond the assayed region for this gene and therefore may encompass additional genes. While this deletion is not anticipated to lead to nonsense mediated decay, it is expected to alter mRNA translation or result in a truncated protein product. This variant has not been reported in the literature in individuals affected with TBCD-related conditions. This variant disrupts a region of the TBCD protein in which other variant(s) (p.Pro1122Leu) have been determined to be pathogenic (PMID: 27666370, 27666374, 31395954). This suggests that this is a clinically significant region of the protein, and that variants that disrupt it are likely to be disease-causing. For these reasons, this variant has been classified as Pathogenic.

Literature cited by the submitters: PubMed 27666370; PubMed 27666374; PubMed 31395954.

NC_000017.10:g.(?_80828080)_(80900339_?)del

Gene: TBCD (tubulin folding cofactor D). Cytogenetic location: 17q25.3.
Variant type: Deletion.
Identifiers: ClinVar variation 3243169 (VCV003243169.1).